The following is an entry in ClinVar:

ClinVar aggregate classification (germline): Uncertain significance (1 of 4 stars; one submission).

Submission:

Women's Health and Genetics/Laboratory Corporation of America, LabCorp
Classification: Uncertain significance. Last evaluated: 2025-12-11. Review status: criteria provided, single submitter. Criteria: LabCorp Variant Classification Summary - May 2015. Collection method: clinical testing. Allele origin: germline.
Comment: Variant summary: CHCHD10 c.-30_-19del12 is located in the untranslated mRNA region upstream of the initiation codon. The variant was absent in 138984 control chromosomes (gnomAD). The available data on variant occurrences in the general population are insufficient to allow any conclusion about variant significance. To our knowledge, no occurrence of c.-30_-19del12 in individuals affected with CHCHD10-related conditions and no experimental evidence demonstrating its impact on protein function have been reported. No submitters have cited clinical-significance assessments for this variant to ClinVar. Based on the evidence outlined above, the variant was classified as uncertain significance.

NM_213720.3(CHCHD10):c.-30_-19del

Gene: CHCHD10 (coiled-coil-helix-coiled-coil-helix domain containing 10; minus strand). Cytogenetic location: 22q11.23.
Variant type: Deletion.
Coding change: c.-30_-19del on transcript NM_213720.3 (MANE Select); 30 bases upstream of the start codon through 19 bases upstream of the start codon, 12 bases deleted (TAAGGTCGCCCG).
Molecular consequence: 5 prime UTR variant. On other transcripts: non-coding transcript variant (2).
Genome position (GRCh38, 1-based): chr22:23,767,893-23,767,904, CGGGCGACCTTA deleted on the plus strand (TAAGGTCGCCCG on the coding strand, the reverse complement: CHCHD10 is on the minus strand). VCF-style (leftmost placement, unchanged base first): chr22-23767892-CCGGGCGACCTTA-C. GRCh37 (hg19) VCF-style: chr22-24110079-CCGGGCGACCTTA-C.
Other names: c.-30_-19del (NM_001301339.2); c.-30_-19del12 (NM_213720.3).
Identifiers: ClinVar variation 4688393 (VCV004688393.1).